The following is an entry in ClinVar:

NM_001035.3(RYR2):c.3610G>A (p.Val1204Met)

Gene: RYR2 (ryanodine receptor 2; plus strand). Cytogenetic location: 1q43.
Variant type: single nucleotide variant.
Coding change: c.3610G>A on transcript NM_001035.3 (MANE Select); coding-DNA position 3610, G replaced by A.
Protein change: p.Val1204Met; replaces valine 1204 with methionine.
Molecular consequence: missense variant.
Genome position (GRCh38, 1-based): chr1:237,589,804, G>A. VCF-style: chr1-237589804-G-A. GRCh37 (hg19) VCF-style: chr1-237753104-G-A.
Other names: short protein forms V1204M.
Identifiers: ClinVar variation 970945 (VCV000970945.12), dbSNP rs1435421903, ClinGen allele CA345396150.

ClinVar aggregate classification (germline): Uncertain significance. Review status: criteria provided, multiple submitters, no conflicts (2 of 4 stars). 2 submissions from 2 submitters: Uncertain significance (2). Last evaluated 2026-01-10.

Conditions:
Cardiovascular phenotype. Identifiers: MedGen CN230736.
Catecholaminergic polymorphic ventricular tachycardia 1. Also called: VENTRICULAR TACHYCARDIA, CATECHOLAMINERGIC POLYMORPHIC, 1, WITH OR WITHOUT ATRIAL DYSFUNCTION AND/OR DILATED CARDIOMYOPATHY; RYR2-Related Catecholaminergic Polymorphic Ventricular Tachycardia; VENTRICULAR TACHYCARDIA, STRESS-INDUCED POLYMORPHIC 1. Identifiers: Orphanet 3286, MedGen C1631597, MONDO:0011484, OMIM 604772.

Allele frequency attached by ClinVar (database versions not stated): gnomAD exomes below 0.00001; gnomAD 0.00001.
gnomAD v4.1: 3 of 1,613,544 alleles (0.00019%); highest among the groups gnomAD compares: Non-Finnish European, 0.00025%; no homozygotes.

Submissions (2):

Labcorp Genetics (formerly Invitae), Labcorp
Classification: Uncertain significance for Catecholaminergic polymorphic ventricular tachycardia 1. Last evaluated: 2026-01-10. Review status: criteria provided, single submitter. Criteria: Invitae Variant Classification Sherloc (09022015). Collection method: clinical testing. Allele origin: germline.
Comment: This sequence change replaces valine, which is neutral and non-polar, with methionine, which is neutral and non-polar, at codon 1204 of the RYR2 protein (p.Val1204Met). This variant is present in population databases (no rsID available, gnomAD 0.007%). This variant has not been reported in the literature in individuals affected with RYR2-related conditions. ClinVar contains an entry for this variant (Variation ID: 970945). Invitae Evidence Modeling of protein sequence and biophysical properties (such as structural, functional, and spatial information, amino acid conservation, physicochemical variation, residue mobility, and thermodynamic stability) indicates that this missense variant is not expected to disrupt RYR2 protein function with a negative predictive value of 95%. In summary, the available evidence is currently insufficient to determine the role of this variant in disease. Therefore, it has been classified as a Variant of Uncertain Significance.

Ambry Genetics
Classification: Uncertain significance for Cardiovascular phenotype. Last evaluated: 2022-07-14. Review status: criteria provided, single submitter. Criteria: Ambry Variant Classification Scheme 2023. Collection method: clinical testing. Allele origin: germline.
Comment: The p.V1204M variant (also known as c.3610G>A), located in coding exon 30 of the RYR2 gene, results from a G to A substitution at nucleotide position 3610. The valine at codon 1204 is replaced by methionine, an amino acid with highly similar properties. This amino acid position is well conserved in available vertebrate species. In addition, the in silico prediction for this alteration is inconclusive. Since supporting evidence is limited at this time, the clinical significance of this alteration remains unclear.